The following is an entry in ClinVar:

NM_000038.6(APC):c.3288G>A (p.Gln1096=)

Gene: APC (APC regulator of Wnt signaling pathway; plus strand). Cytogenetic location: 5q22.2.
Variant type: single nucleotide variant.
Coding change: c.3288G>A on transcript NM_000038.6 (MANE Select); coding-DNA position 3288, G replaced by A.
Protein change: p.Gln1096=; no amino-acid change (glutamine 1096 retained).
Molecular consequence: synonymous variant.
Genome position (GRCh38, 1-based): chr5:112,838,882, G>A. VCF-style: chr5-112838882-G-A. GRCh37 (hg19) VCF-style: chr5-112174579-G-A.
Other names: c.3288G>A, p.Gln1096= (NM_001127510.3, NM_001354895.2); c.3234G>A, p.Gln1078= (NM_001127511.3); c.3342G>A, p.Gln1114= (NM_001354896.2); c.3318G>A, p.Gln1106= (NM_001354897.2); c.3213G>A, p.Gln1071= (NM_001354898.2); c.3204G>A, p.Gln1068= (NM_001354899.2); c.3165G>A, p.Gln1055= (NM_001354900.2); c.3111G>A, p.Gln1037= (NM_001354901.2); and 5 more.
Identifiers: ClinVar variation 1641886 (VCV001641886.10), dbSNP rs1765383284, ClinGen allele CA445963573.
Genomic context (GRCh38, chr5:112,838,882, plus strand): 5'-TGTTTATACTGAGAGCACTGATGATAAACACCTCAAGTTCCAACCACATTTTGGACAGCA[G>A]GAATGTGTTTCTCCATACAGGTCACGGGGAGCCAATGGTTCAGAAACAAATCGAGTGGGT-3'
Protein context (NP_000029.2, residues 1086-1106): HLKFQPHFGQ[Gln1096=]ECVSPYRSRG

ClinVar aggregate classification (germline): Benign/Likely benign. Review status: criteria provided, multiple submitters, no conflicts (2 of 4 stars). 3 submissions from 3 submitters: Benign (1); Likely benign (2). Last evaluated 2024-03-18.

Conditions:
Hereditary cancer-predisposing syndrome. Also called: Hereditary Cancer Syndrome; Neoplastic Syndromes, Hereditary; Tumor predisposition; Hereditary neoplastic syndrome. Identifiers: Orphanet 140162, MedGen C0027672, MeSH D009386, MONDO:0015356.
Familial adenomatous polyposis 1 (FAP1). Also called: FAMILIAL ADENOMATOUS POLYPOSIS 1, ATTENUATED; POLYPOSIS, ADENOMATOUS INTESTINAL. Identifiers: MedGen C2713442, MONDO:0021056, OMIM 175100. Disease mechanism: loss of function.

Allele frequency attached by ClinVar (database versions not stated): gnomAD exomes below 0.00001; TOPMed below 0.00001.
gnomAD v4.1: 2 of 1,614,118 alleles (0.00012%); highest among the groups gnomAD compares: South Asian, 0.0011%; no homozygotes.

Submissions (3):

Myriad Genetics, Inc.
Classification: Benign for Familial adenomatous polyposis 1. Last evaluated: 2024-03-18. Review status: criteria provided, single submitter. Criteria: Myriad Autosomal Dominant, Autosomal Recessive and X-Linked Classification Criteria (2023). Collection method: clinical testing. Allele origin: unknown.
Comment: This variant is considered benign. This variant is a silent/synonymous amino acid change and it is not expected to impact splicing.

Ambry Genetics
Classification: Likely benign for Hereditary cancer-predisposing syndrome. Last evaluated: 2022-05-17. Review status: criteria provided, single submitter. Criteria: Ambry Variant Classification Scheme 2023. Collection method: clinical testing. Allele origin: germline.

Labcorp Genetics (formerly Invitae), Labcorp
Classification: Likely benign for Familial adenomatous polyposis 1. Last evaluated: 2021-07-03. Review status: criteria provided, single submitter. Criteria: Invitae Variant Classification Sherloc (09022015). Collection method: clinical testing. Allele origin: germline.